The following is an entry in ClinVar:

NM_144687.4(NLRP12):c.904T>C (p.Ser302Pro)

Gene: NLRP12 (NLR family pyrin domain containing 12; minus strand). Cytogenetic location: 19q13.42.
Variant type: single nucleotide variant.
Coding change: c.904T>C on transcript NM_144687.4 (MANE Select); coding-DNA position 904, T replaced by C.
Protein change: p.Ser302Pro; replaces serine 302 with proline.
Molecular consequence: missense variant.
Genome position (GRCh38, 1-based): chr19:53,810,755, A>G on the plus strand (T>C on the coding strand, the complement: NLRP12 is on the minus strand). VCF-style: chr19-53810755-A-G. GRCh37 (hg19) VCF-style: chr19-54314009-A-G.
Other names: c.904T>C, p.Ser302Pro (NM_001277126.2, NM_001277129.1); short protein forms S302P.
Identifiers: ClinVar variation 2004937 (VCV002004937.4), dbSNP rs1345607831, ClinGen allele CA407415552.

ClinVar aggregate classification (germline): Uncertain significance (1 of 4 stars; one submission).

Conditions:
Familial cold autoinflammatory syndrome 2 (FCAS2). Identifiers: Orphanet 247868, MedGen C2673198, MONDO:0012724, OMIM 611762.

Allele frequency attached by ClinVar (database versions not stated): gnomAD exomes 0.00001.
gnomAD v4.1: 7 of 1,613,994 alleles (0.00043%); highest among the groups gnomAD compares: East Asian, 0.016%; no homozygotes.

Submission:

Labcorp Genetics (formerly Invitae), Labcorp
Classification: Uncertain significance for Familial cold autoinflammatory syndrome 2. Last evaluated: 2022-06-11. Review status: criteria provided, single submitter. Criteria: Invitae Variant Classification Sherloc (09022015). Collection method: clinical testing. Allele origin: germline.
Comment: This variant has not been reported in the literature in individuals affected with NLRP12-related conditions. This variant is not present in population databases (gnomAD no frequency). This sequence change replaces serine, which is neutral and polar, with proline, which is neutral and non-polar, at codon 302 of the NLRP12 protein (p.Ser302Pro). Algorithms developed to predict the effect of missense changes on protein structure and function are either unavailable or do not agree on the potential impact of this missense change (SIFT: "Tolerated"; PolyPhen-2: "Probably Damaging"; Align-GVGD: "Class C0"). In summary, the available evidence is currently insufficient to determine the role of this variant in disease. Therefore, it has been classified as a Variant of Uncertain Significance.